The following is an entry in ClinVar:

NM_006767.4(LZTR1):c.1759G>A (p.Ala587Thr)

Gene: LZTR1 (leucine zipper like post translational regulator 1; plus strand). Cytogenetic location: 22q11.21.
Variant type: single nucleotide variant.
Coding change: c.1759G>A on transcript NM_006767.4 (MANE Select); coding-DNA position 1759, G replaced by A.
Protein change: p.Ala587Thr; replaces alanine 587 with threonine.
Molecular consequence: missense variant.
Genome position (GRCh38, 1-based): chr22:20,994,701, G>A. VCF-style: chr22-20994701-G-A. GRCh37 (hg19) VCF-style: chr22-21348990-G-A.
Other names: short protein forms A587T.
Identifiers: ClinVar variation 1466847 (VCV001466847.12), dbSNP rs1305693117, ClinGen allele CA410778241.
Genomic context (GRCh38, chr22:20,994,701, plus strand): 5'-CGCCAGTACATCGAGGCCTCCGTGGACCTGCAGAACGTGCTGGTTGTGTGCGAGAGTGCC[G>A]CCCGGCTGCAGCTGAGCCAACTCAAGGTGTGGGGTGGGGTCAGCGCAATCAGGGTTGGGT-3'
Protein context (NP_006758.2, residues 577-597): QNVLVVCESA[Ala587Thr]RLQLSQLKEH

ClinVar aggregate classification (germline): Uncertain significance. Review status: criteria provided, multiple submitters, no conflicts (2 of 4 stars). 3 submissions from 3 submitters: Uncertain significance (3). Last evaluated 2025-03-30.

Conditions:
Cardiovascular phenotype. Identifiers: MedGen CN230736.
Hereditary cancer-predisposing syndrome. Also called: Tumor predisposition; Hereditary Cancer Syndrome; Hereditary neoplastic syndrome; Neoplastic Syndromes, Hereditary. Identifiers: Orphanet 140162, MedGen C0027672, MeSH D009386, MONDO:0015356.
LZTR1-related schwannomatosis. Also called: Schwannomatosis 2; Schwannomatosis-2, susceptibility to. Identifiers: Orphanet 93921, MedGen C3810283, MONDO:0014299, OMIM 615670.

Allele frequency attached by ClinVar (database versions not stated): gnomAD exomes 0.00001; TOPMed 0.00001; gnomAD 0.00002.

Submissions (3):

Labcorp Genetics (formerly Invitae), Labcorp
Classification: Uncertain significance. Last evaluated: 2025-03-30. Review status: criteria provided, single submitter. Criteria: Invitae Variant Classification Sherloc (09022015). Collection method: clinical testing. Allele origin: germline.
Comment: This sequence change replaces alanine, which is neutral and non-polar, with threonine, which is neutral and polar, at codon 587 of the LZTR1 protein (p.Ala587Thr). This variant is present in population databases (no rsID available, gnomAD 0.002%). This variant has not been reported in the literature in individuals affected with LZTR1-related conditions. ClinVar contains an entry for this variant (Variation ID: 1466847). Invitae Evidence Modeling of protein sequence and biophysical properties (such as structural, functional, and spatial information, amino acid conservation, physicochemical variation, residue mobility, and thermodynamic stability) indicates that this missense variant is not expected to disrupt LZTR1 protein function with a negative predictive value of 80%. In summary, the available evidence is currently insufficient to determine the role of this variant in disease. Therefore, it has been classified as a Variant of Uncertain Significance.

Baylor Genetics
Classification: Uncertain significance for LZTR1-related schwannomatosis. Last evaluated: 2024-02-05. Review status: criteria provided, single submitter. Criteria: ACMG Guidelines, 2015. Collection method: clinical testing. Allele origin: unknown.

Ambry Genetics
Classification: Uncertain significance for Cardiovascular phenotype; Hereditary cancer-predisposing syndrome. Last evaluated: 2023-10-23. Review status: criteria provided, single submitter. Criteria: Ambry Variant Classification Scheme 2023. Collection method: clinical testing. Allele origin: germline.
Comment: The p.A587T variant (also known as c.1759G>A), located in coding exon 15 of the LZTR1 gene, results from a G to A substitution at nucleotide position 1759. The alanine at codon 587 is replaced by threonine, an amino acid with similar properties. This amino acid position is not well conserved in available vertebrate species. In addition, this alteration is predicted to be tolerated by in silico analysis. Since supporting evidence is limited at this time, the clinical significance of this alteration remains unclear.